The following is an entry in ClinVar:

ClinVar aggregate classification (germline): Uncertain significance (1 of 4 stars; one submission).

Conditions:
Neurodevelopmental disorder with alopecia and brain abnormalities. Also called: Bachmann-Bupp syndrome; Global developmental delay-alopecia-macrocephaly-facial dysmorphism-structural brain anomalies syndrome. Identifiers: Orphanet 544488, MedGen C5436741, MONDO:0033642, OMIM 619075.

Submission:

Dasa
Classification: Uncertain significance for Neurodevelopmental disorder with alopecia and brain abnormalities. Last evaluated: 2025-09-26. Review status: criteria provided, single submitter. Criteria: DASA Assertion Criteria. Collection method: clinical testing. Allele origin: germline.
Comment: NM_002539.3(ODC1):c.572T>A (p.Val191Asp) is a missense variant that results in the substitution of valine with aspartic acid. This variant is absent from population databases. Computational prediction algorithms are consistent with a deleterious effect. The currently available literature and clinical evidence are not sufficient to establish a definitive association between this variant and the reported condition. Therefore, this variant is classified as a variant of uncertain significance.

NM_002539.3(ODC1):c.572T>A (p.Val191Asp)

Gene: ODC1 (ornithine decarboxylase 1; minus strand). Cytogenetic location: 2p25.1.
Variant type: single nucleotide variant.
Coding change: c.572T>A on transcript NM_002539.3 (MANE Select); coding-DNA position 572, T replaced by A.
Protein change: p.Val191Asp; replaces valine 191 with aspartic acid.
Molecular consequence: missense variant.
Genome position (GRCh38, 1-based): chr2:10,443,714, A>T on the plus strand (T>A on the coding strand, the complement: ODC1 is on the minus strand). VCF-style: chr2-10443714-A-T. GRCh37 (hg19) VCF-style: chr2-10583840-A-T.
Other names: c.185T>A, p.Val62Asp (NM_001287188.2); c.572T>A, p.Val191Asp (NM_001287189.2, NM_001287190.2); short protein forms V191D, V62D.
Identifiers: ClinVar variation 4881944 (VCV004881944.2).